The following is an entry in ClinVar:

NM_032776.3(JMJD1C):c.3544G>A (p.Asp1182Asn)

Gene: JMJD1C (jumonji domain containing 1C; minus strand). Cytogenetic location: 10q21.3.
Variant type: single nucleotide variant.
Coding change: c.3544G>A on transcript NM_032776.3 (MANE Select); coding-DNA position 3544, G replaced by A.
Protein change: p.Asp1182Asn; replaces aspartic acid 1182 with asparagine.
Molecular consequence: missense variant. On other transcripts: non-coding transcript variant (1).
Genome position (GRCh38, 1-based): chr10:63,208,125, C>T on the plus strand (G>A on the coding strand, the complement: JMJD1C is on the minus strand). VCF-style: chr10-63208125-C-T. GRCh37 (hg19) VCF-style: chr10-64967885-C-T.
Other names: c.2998G>A, p.Asp1000Asn (NM_001282948.2, NM_001318154.2); c.2680G>A, p.Asp894Asn (NM_001318153.2); c.3430G>A, p.Asp1144Asn (NM_001322252.2); c.2887G>A, p.Asp963Asn (NM_001322254.2, NM_001322258.2); short protein forms D1144N, D1000N, D894N, D1182N, D963N.
Identifiers: ClinVar variation 2996069 (VCV002996069.3), dbSNP rs1475852248, ClinGen allele CA377041346.

ClinVar aggregate classification (germline): Uncertain significance (1 of 4 stars; one submission).

Conditions:
Early Myoclonic Encephalopathy. Identifiers: MedGen C0270855.

gnomAD v4.1: 3 of 1,614,150 alleles (0.00019%); highest among the groups gnomAD compares: South Asian, 0.0033%; no homozygotes.

Submission:

Labcorp Genetics (formerly Invitae), Labcorp
Classification: Uncertain significance for Early Myoclonic Encephalopathy. Last evaluated: 2023-08-05. Review status: criteria provided, single submitter. Criteria: Invitae Variant Classification Sherloc (09022015). Collection method: clinical testing. Allele origin: germline.
Comment: This sequence change replaces aspartic acid, which is acidic and polar, with asparagine, which is neutral and polar, at codon 1182 of the JMJD1C protein (p.Asp1182Asn). This variant is present in population databases (no rsID available, gnomAD 0.003%). This variant has not been reported in the literature in individuals affected with JMJD1C-related conditions. Advanced modeling of protein sequence and biophysical properties (such as structural, functional, and spatial information, amino acid conservation, physicochemical variation, residue mobility, and thermodynamic stability) performed at Invitae indicates that this missense variant is not expected to disrupt JMJD1C protein function. In summary, the available evidence is currently insufficient to determine the role of this variant in disease. Therefore, it has been classified as a Variant of Uncertain Significance.